The following is an entry in ClinVar:

ClinVar aggregate classification (germline): Benign (1 of 4 stars; one submission).

Conditions:
Hennekam lymphangiectasia-lymphedema syndrome 1 (HKLLS1). Also called: LYMPHATIC DYSPLASIA, GENERALIZED. Identifiers: Orphanet 2136, MedGen C4012050, MONDO:0009337, OMIM 235510.

Allele frequency attached by ClinVar (database versions not stated): gnomAD 0.00001 and 0.00056; TOPMed 0.00006; gnomAD exomes 0.00048; 1000 Genomes Project 30x 0.00578; 1000 Genomes Project 0.00599.
gnomAD v4.1: 85 of 156,670 alleles (0.054%); highest among the groups gnomAD compares: South Asian, 1.6%; no homozygotes.

Submission:

Illumina Laboratory Services, Illumina
Classification: Benign for Hennekam lymphangiectasia-lymphedema syndrome 1. Last evaluated: 2018-01-13. Review status: criteria provided, single submitter. Criteria: ICSL Variant Classification Criteria 13 December 2019. Collection method: clinical testing. Allele origin: germline.
Comment: This variant was observed in the ICSL laboratory as part of a predisposition screen in an ostensibly healthy population. It had not been previously curated by ICSL or reported in the Human Gene Mutation Database (HGMD: prior to June 1st, 2018), and was therefore a candidate for classification through an automated scoring system. Utilizing variant allele frequency, disease prevalence and penetrance estimates, and inheritance mode, an automated score was calculated to assess if this variant is too frequent to cause the disease. Based on the score and internal cut-off values, a variant classified as benign is not then subjected to further curation. The score for this variant resulted in a classification of benign for this disease.

NM_133459.4(CCBE1):c.*616A>G

Gene: CCBE1 (collagen and calcium binding EGF domains 1; minus strand). Cytogenetic location: 18q21.32.
Variant type: single nucleotide variant.
Coding change: c.*616A>G on transcript NM_133459.4 (MANE Select); 616 bases downstream of the stop codon, A replaced by G.
Molecular consequence: 3 prime UTR variant.
Genome position (GRCh38, 1-based): chr18:59,435,292, T>C on the plus strand (A>G on the coding strand, the complement: CCBE1 is on the minus strand). VCF-style: chr18-59435292-T-C. GRCh37 (hg19) VCF-style: chr18-57102524-T-C.
Other names: c.*616A>G (LRG_1209t1).
Identifiers: ClinVar variation 327688 (VCV000327688.5), dbSNP rs532612240, ClinGen allele CA10651288.
Genomic context (GRCh38, chr18:59,435,292, plus strand): 5'-TTTTAGAATGTGGCAATCTATATAACAGTAAATATATGACTGTGATTCTTTTCTATCTTC[T>C]CTAAACGCCATTCAATTCTCTCCTCTCTTTAATTGAATTTGGGAAACAAGGTTTGACAAA-3'